The following is an entry in ClinVar:

ClinVar aggregate classification (germline): Pathogenic (1 of 4 stars; one submission).

Conditions:
Autosomal recessive nonsyndromic hearing loss 67. Identifiers: Orphanet 90636, MedGen C1853223, MONDO:0012460, OMIM 610265.

Submission:

Institute of Rare Diseases, West China Hospital, Sichuan University
Classification: Pathogenic for Autosomal recessive nonsyndromic hearing loss 67. Last evaluated: 2025-01-09. Review status: criteria provided, single submitter. Criteria: ClinGen HL ACMG Specifications v1. Collection method: research. Allele origin: germline. Affected: yes.
Comment: PVS1;PM3_Supporting;PM2_Supporting;PS1

NM_182548.4(LHFPL5):c.396G>A (p.Trp132Ter)

Gene: LHFPL5 (LHFPL tetraspan subfamily member 5; plus strand). Cytogenetic location: 6p21.31.
Variant type: single nucleotide variant.
Coding change: c.396G>A on transcript NM_182548.4 (MANE Select); coding-DNA position 396, G replaced by A.
Protein change: p.Trp132Ter; replaces tryptophan 132 with a stop codon.
Molecular consequence: nonsense.
Genome position (GRCh38, 1-based): chr6:35,806,066, G>A. VCF-style: chr6-35806066-G-A. GRCh37 (hg19) VCF-style: chr6-35773843-G-A.
Other names: short protein forms W132*.
Identifiers: ClinVar variation 3601192 (VCV003601192.1).
Genomic context (GRCh38, chr6:35,806,066, plus strand): 5'-CATCTGCTTCAGCCTGTTCTTCATCTGCAACACGGCCACAGTCTATAAGATCTGTGCATG[G>A]ATGCAGCTGGCTGCGGGTAAGCAGAGATGGTGGGAGGGCAGGCAGGGGCCCACCCCGGGG-3'